The following is an entry in ClinVar:

NM_002658.6(PLAU):c.194-12_194-10delinsTT

Genes: C10orf55 (chromosome 10 putative open reading frame 55; minus strand), PLAU (plasminogen activator, urokinase; plus strand). Cytogenetic location: 10q22.2.
Variant type: Indel.
Coding change: c.194-12_194-10delinsTT on transcript NM_002658.6 (MANE Select); 12 bases into the intron before coding-DNA position 194 through 10 bases into the intron before coding-DNA position 194, GTC replaced by TT.
Molecular consequence: intron variant.
Genome position (GRCh38, 1-based): chr10:73,912,912-73,912,914, GTC replaced by TT. VCF-style: chr10-73912912-GTC-TT. GRCh37 (hg19) VCF-style: chr10-75672670-GTC-TT.
Other names: c.194-12_194-10delinsTT (NM_001441160.1, NM_001441154.1, NM_001441157.1 and 2 more transcripts); c.-65-12_-65-10delinsTT (NM_001441159.1, NM_001319191.2, NM_001441158.1); c.143-12_143-10delinsTT (NM_001145031.3).
Identifiers: ClinVar variation 4847329 (VCV004847329.1).

ClinVar aggregate classification (germline): Likely benign (1 of 4 stars; one submission).

Submission:

Women's Health and Genetics/Laboratory Corporation of America, LabCorp
Classification: Likely benign. Last evaluated: 2026-03-11. Review status: criteria provided, single submitter. Criteria: LabCorp Variant Classification Summary - May 2015. Collection method: clinical testing. Allele origin: germline.
Comment: Variant summary: PLAU c.194-12_194-10delinsTT alters a nucleotide located at a position not widely known to affect splicing. Consensus agreement among computation tools predict no significant impact on normal splicing. However, these predictions have yet to be confirmed by functional studies. The variant was absent in 235242 control chromosomes. The available data on variant occurrences in the general population are insufficient to allow any conclusion about variant significance. To our knowledge, no occurrence of c.194-12_194-10delinsTT in individuals affected with PLAU-related conditions and no experimental evidence demonstrating its impact on protein function have been reported. No submitters have cited clinical-significance assessments for this variant to ClinVar. Based on the evidence outlined above, the variant was classified as likely benign.